The following is an entry in ClinVar:

ClinVar aggregate classification (germline): Conflicting classifications of pathogenicity. Review status: criteria provided, conflicting classifications (1 of 4 stars). 3 submissions from 3 submitters: Uncertain significance (2); Likely benign (1). Last evaluated 2024-05-24.

Conditions:
Retinitis pigmentosa (RP). Identifiers: Orphanet 791, MedGen C0035334, MeSH D012174, MONDO:0019200, OMIM 268000. Inheritance: Autosomal dominant, autosomal recessive and X linked inheritance.

Allele frequency attached by ClinVar (database versions not stated): TOPMed 0.00005; 1000 Genomes Project 0.00060; 1000 Genomes Project 30x 0.00062.
gnomAD v4.1: 50 of 1,609,940 alleles (0.0031%); highest among the groups gnomAD compares: East Asian, 0.091%; no homozygotes.

Submissions (3):

Blueprint Genetics
Classification: Uncertain significance. Last evaluated: 2024-05-24. Review status: criteria provided, single submitter. Criteria: ACMG Guidelines, 2015. Collection method: clinical testing. Allele origin: germline.

Labcorp Genetics (formerly Invitae), Labcorp
Classification: Uncertain significance. Last evaluated: 2023-11-27. Review status: criteria provided, single submitter. Criteria: Invitae Variant Classification Sherloc (09022015). Collection method: clinical testing. Allele origin: germline.
Comment: This sequence change replaces proline, which is neutral and non-polar, with serine, which is neutral and polar, at codon 98 of the CNGB1 protein (p.Pro98Ser). This variant is present in population databases (rs570828500, gnomAD 0.2%). This missense change has been observed in individual(s) with retinitis pigmentosa (PMID: 24938718). ClinVar contains an entry for this variant (Variation ID: 884343). Algorithms developed to predict the effect of missense changes on protein structure and function output the following: SIFT: "Not Available"; PolyPhen-2: "Benign"; Align-GVGD: "Not Available". The serine amino acid residue is found in multiple mammalian species, which suggests that this missense change does not adversely affect protein function. In summary, the available evidence is currently insufficient to determine the role of this variant in disease. Therefore, it has been classified as a Variant of Uncertain Significance.

Illumina Laboratory Services, Illumina
Classification: Likely benign for Retinitis pigmentosa. Last evaluated: 2017-04-28. Review status: criteria provided, single submitter. Criteria: ICSL Variant Classification Criteria 13 December 2019. Collection method: clinical testing. Allele origin: germline.
Comment: This variant was observed as part of a predisposition screen in an ostensibly healthy population. A literature search was performed for the gene, cDNA change, and amino acid change (where applicable). Publications were found based on this search. The evidence from the literature, in combination with allele frequency data from public databases where available, was sufficient to determine this variant is unlikely to cause disease. Therefore, this variant is classified as likely benign.

Literature cited by the submitters: PubMed 24938718 (cited by Labcorp Genetics (formerly Invitae), Labcorp and Illumina Laboratory Services, Illumina).

NM_001297.5(CNGB1):c.292C>T (p.Pro98Ser)

Gene: CNGB1 (cyclic nucleotide gated channel subunit beta 1; minus strand). Cytogenetic location: 16q21.
Variant type: single nucleotide variant.
Coding change: c.292C>T on transcript NM_001297.5 (MANE Select); coding-DNA position 292, C replaced by T.
Protein change: p.Pro98Ser; replaces proline 98 with serine.
Molecular consequence: missense variant.
Genome position (GRCh38, 1-based): chr16:57,963,063, G>A on the plus strand (C>T on the coding strand, the complement: CNGB1 is on the minus strand). VCF-style: chr16-57963063-G-A. GRCh37 (hg19) VCF-style: chr16-57996967-G-A.
Other names: c.292C>T, p.Pro98Ser (NM_001135639.2, NM_001286130.2); short protein forms P98S.
Identifiers: ClinVar variation 884343 (VCV000884343.12), dbSNP rs570828500, ClinGen allele CA8083895.